The following is an entry in ClinVar:

ClinVar aggregate classification (germline): Conflicting classifications of pathogenicity. Review status: criteria provided, conflicting classifications (1 of 4 stars). 3 submissions from 3 submitters: Uncertain significance (2); Likely benign (1). Last evaluated 2025-07-22.

Conditions:
Inborn genetic diseases. Identifiers: MedGen C0950123, MeSH D030342.
Spinocerebellar ataxia, autosomal recessive, with axonal neuropathy 2 (SCAN2). Also called: Ataxia-ocular apraxia-2; Ataxia with Oculomotor Apraxia; Ataxia with Oculomotor Apraxia Type 2; ATAXIA-OCULOMOTOR APRAXIA 2. Identifiers: Orphanet 64753, MedGen C1853761, MONDO:0018996, OMIM 606002.
Amyotrophic lateral sclerosis type 4 (ALS4). Also called: AMYOTROPHIC LATERAL SCLEROSIS 4, JUVENILE; NEURONOPATHY, DISTAL HEREDITARY MOTOR, WITH PYRAMIDAL FEATURES. Identifiers: Orphanet 357043, MedGen C1865409, MONDO:0011223, OMIM 602433.

Allele frequency attached by ClinVar (database versions not stated): ExAC 0.00001; gnomAD exomes 0.00001; TOPMed 0.00002; ESP Exome Variant Server 0.00008.
gnomAD v4.1: 42 of 1,614,230 alleles (0.0026%); highest among the groups gnomAD compares: Non-Finnish European, 0.0035%; no homozygotes.

Submissions (3):

GeneDx
Classification: Uncertain significance. Last evaluated: 2025-07-22. Review status: criteria provided, single submitter. Criteria: GeneDx Variant Classification Process June 2021. Collection method: clinical testing. Allele origin: germline. Affected: yes.
Comment: Not observed at significant frequency in large population cohorts (gnomAD); In silico analysis suggests that this missense variant does not alter protein structure/function; Has not been previously published as pathogenic or benign to our knowledge

Ambry Genetics
Classification: Uncertain significance for Inborn genetic diseases. Last evaluated: 2024-07-06. Review status: criteria provided, single submitter. Criteria: Ambry Variant Classification Scheme 2023. Collection method: clinical testing. Allele origin: germline.

Labcorp Genetics (formerly Invitae), Labcorp
Classification: Likely benign for Amyotrophic lateral sclerosis type 4; Spinocerebellar ataxia, autosomal recessive, with axonal neuropathy 2. Last evaluated: 2022-07-12. Review status: criteria provided, single submitter. Criteria: Invitae Variant Classification Sherloc (09022015). Collection method: clinical testing. Allele origin: germline.

NM_015046.7(SETX):c.4963T>C (p.Ser1655Pro)

Gene: SETX (senataxin; minus strand). Cytogenetic location: 9q34.13.
Variant type: single nucleotide variant.
Coding change: c.4963T>C on transcript NM_015046.7 (MANE Select); coding-DNA position 4963, T replaced by C.
Protein change: p.Ser1655Pro; replaces serine 1655 with proline.
Molecular consequence: missense variant.
Genome position (GRCh38, 1-based): chr9:132,326,635, A>G on the plus strand (T>C on the coding strand, the complement: SETX is on the minus strand). VCF-style: chr9-132326635-A-G. GRCh37 (hg19) VCF-style: chr9-135202022-A-G.
Other names: c.4963T>C, p.Ser1655Pro (NM_001351527.2, NM_001351528.2); c.4963T>C (NM_015046.5); short protein forms S1655P.
Identifiers: ClinVar variation 1505538 (VCV001505538.8), dbSNP rs142509544, ClinGen allele CA5297102.